The following is an entry in ClinVar:

ClinVar aggregate classification (germline): Conflicting classifications of pathogenicity. Review status: criteria provided, conflicting classifications (1 of 4 stars). 3 submissions from 3 submitters: Uncertain significance (2); Likely benign (1). Last evaluated 2025-08-14.

Conditions:
Cardiomyopathy (CMYO). Also called: Cardiomyopathies. Identifiers: Orphanet 167848, MedGen C0878544, MONDO:0004994, HP:0001638. Inheritance: Various modes of inheritance.
Hypertrophic cardiomyopathy. Also called: HYPERTROPHIC MYOCARDIOPATHY. Identifiers: Orphanet 217569, MedGen C0007194, MeSH D002312, MONDO:0005045, HP:0001639.

Allele frequency attached by ClinVar (database versions not stated): gnomAD 0.00002; ESP Exome Variant Server 0.00008.
gnomAD v4.1: 6 of 1,613,304 alleles (0.00037%); highest among the groups gnomAD compares: African/African-American, 0.004%; no homozygotes.

Submissions (3):

Labcorp Genetics (formerly Invitae), Labcorp
Classification: Likely benign for Hypertrophic cardiomyopathy. Last evaluated: 2025-08-14. Review status: criteria provided, single submitter. Criteria: Invitae Variant Classification Sherloc (09022015). Collection method: clinical testing. Allele origin: germline.

All of Us Research Program, National Institutes of Health
Classification: Uncertain significance for Cardiomyopathy. Last evaluated: 2023-05-16. Review status: criteria provided, single submitter. Criteria: ACMG Guidelines, 2015. Collection method: clinical testing. Allele origin: germline. Inheritance: Autosomal dominant inheritance. Observed: 1 variant allele, 1 heterozygote.
Comment: This variant causes a C to G nucleotide substitution at the -7 position of intron 31 of the MYH7 gene. To our knowledge, functional studies have not been reported for this variant. This variant has not been reported in individuals affected with MYH7-related disorders in the literature. This variant has been identified in 2/250238 chromosomes in the general population by the Genome Aggregation Database (gnomAD). The available evidence is insufficient to determine the role of this variant in disease conclusively. Therefore, this variant is classified as a Variant of Uncertain Significance.

This study involves interpretation of variants in research participants for the purpose of population health screening. Participant phenotype was not available at the time of variant classification. Additional details can be found in publication PMID: 35346344, PMCID: PMC8962531

GeneDx
Classification: Uncertain significance. Last evaluated: 2019-07-05. Review status: criteria provided, single submitter. Criteria: GeneDx Variant Classification Process June 2021. Collection method: clinical testing. Allele origin: germline. Affected: yes.
Comment: Has not been previously published as pathogenic or benign to our knowledge; Not observed at a significant frequency in large population cohorts (Lek et al., 2016); In-silico analysis, which includes splice predictors and evolutionary conservation, is inconclusive as to whether the variant alters gene splicing. In the absence of RNA/functional studies, the actual effect of this sequence change is unknown.

NM_000257.4(MYH7):c.4354-7C>G

Genes: MHRT (myosin heavy chain associated RNA transcript; plus strand), MYH7 (myosin heavy chain 7; minus strand). Cytogenetic location: 14q11.2.
Variant type: single nucleotide variant.
Coding change: c.4354-7C>G on transcript NM_000257.4 (MANE Select); 7 bases into the intron before coding-DNA position 4354, C replaced by G.
Molecular consequence: intron variant. On other transcripts: non-coding transcript variant (1).
Genome position (GRCh38, 1-based): chr14:23,417,325, G>C on the plus strand (C>G on the coding strand, the complement: MYH7 is on the minus strand). VCF-style: chr14-23417325-G-C. GRCh37 (hg19) VCF-style: chr14-23886534-G-C.
Identifiers: ClinVar variation 1317127 (VCV001317127.4), dbSNP rs370093487, ClinGen allele CA042012.